The following is an entry in ClinVar:

ClinVar aggregate classification (germline): Uncertain significance. Review status: criteria provided, multiple submitters, no conflicts (2 of 4 stars). 2 submissions from 2 submitters: Uncertain significance (2). Last evaluated 2023-01-31.

Conditions:
Inborn genetic diseases. Identifiers: MedGen C0950123, MeSH D030342.
Joubert syndrome 21 (JBTS21). Identifiers: MedGen C3810212, MONDO:0014288, OMIM 615636.

Allele frequency attached by ClinVar (database versions not stated): gnomAD exomes 0.00002 and 0.00001; ExAC 0.00001; gnomAD 0.00001.
gnomAD v4.1: 21 of 1,613,236 alleles (0.0013%); highest among the groups gnomAD compares: South Asian, 0.0044%; no homozygotes.

Submissions (2):

Ambry Genetics
Classification: Uncertain significance for Inborn genetic diseases. Last evaluated: 2023-01-31. Review status: criteria provided, single submitter. Criteria: Ambry Variant Classification Scheme 2023. Collection method: clinical testing. Allele origin: germline.

Labcorp Genetics (formerly Invitae), Labcorp
Classification: Uncertain significance for Joubert syndrome 21. Last evaluated: 2020-12-28. Review status: criteria provided, single submitter. Criteria: Invitae Variant Classification Sherloc (09022015). Collection method: clinical testing. Allele origin: germline.
Comment: In summary, the available evidence is currently insufficient to determine the role of this variant in disease. Therefore, it has been classified as a Variant of Uncertain Significance. Algorithms developed to predict the effect of missense changes on protein structure and function are either unavailable or do not agree on the potential impact of this missense change (SIFT: "Deleterious"; PolyPhen-2: "Probably Damaging"; Align-GVGD: "Class C0"). This variant has not been reported in the literature in individuals with CSPP1-related conditions. This variant is present in population databases (rs758825560, ExAC 0.02%). This sequence change replaces arginine with cysteine at codon 1095 of the CSPP1 protein (p.Arg1095Cys). The arginine residue is highly conserved and there is a large physicochemical difference between arginine and cysteine.

NM_001382391.1(CSPP1):c.3298C>T (p.Arg1100Cys)

Genes: ARFGEF1 (ARF guanine nucleotide exchange factor 1; minus strand), CSPP1 (centrosome and spindle pole associated protein 1; plus strand). Cytogenetic location: 8q13.2.
Variant type: single nucleotide variant.
Coding change: c.3298C>T on transcript NM_001382391.1 (MANE Select); coding-DNA position 3298, C replaced by T.
Protein change: p.Arg1100Cys; replaces arginine 1100 with cysteine.
Molecular consequence: missense variant. On other transcripts: intron variant (2).
Genome position (GRCh38, 1-based): chr8:67,190,727, C>T. VCF-style: chr8-67190727-C-T. GRCh37 (hg19) VCF-style: chr8-68102962-C-T.
Other names: c.2248C>T, p.Arg750Cys (NM_001291339.2); c.3217C>T, p.Arg1073Cys (NM_001363131.2); c.3103C>T, p.Arg1035Cys (NM_001363132.2); c.3022C>T, p.Arg1008Cys (NM_001363133.2); c.3364C>T, p.Arg1122Cys (NM_001364869.1); c.3184C>T, p.Arg1062Cys (NM_001364870.1); c.3130C>T, p.Arg1044Cys (NM_001438330.1); c.3283C>T, p.Arg1095Cys (NM_001438331.1, NM_024790.7); and 3 more; short protein forms R750C, R1035C, R1062C, R1095C, R1008C, R1073C, R1100C, R1122C.
Identifiers: ClinVar variation 1346394 (VCV001346394.8), dbSNP rs758825560, ClinGen allele CA4771125.